The following is an entry in ClinVar:

NM_004963.4(GUCY2C):c.361G>A (p.Gly121Arg)

Genes: GUCY2C (guanylate cyclase 2C; minus strand), GUCY2C-AS1 (GUCY2C antisense RNA 1; plus strand). Cytogenetic location: 12p12.3.
Variant type: single nucleotide variant.
Coding change: c.361G>A on transcript NM_004963.4 (MANE Select); coding-DNA position 361, G replaced by A.
Protein change: p.Gly121Arg; replaces glycine 121 with arginine.
Molecular consequence: missense variant.
Genome position (GRCh38, 1-based): chr12:14,686,195, C>T on the plus strand (G>A on the coding strand, the complement: GUCY2C is on the minus strand). VCF-style: chr12-14686195-C-T. GRCh37 (hg19) VCF-style: chr12-14839129-C-T.
Other names: short protein forms G121R.
Identifiers: ClinVar variation 1447090 (VCV001447090.6), dbSNP rs1256917699, ClinGen allele CA384006860.

ClinVar aggregate classification (germline): Uncertain significance (1 of 4 stars; one submission).

Submission:

Labcorp Genetics (formerly Invitae), Labcorp
Classification: Uncertain significance. Last evaluated: 2023-09-08. Review status: criteria provided, single submitter. Criteria: Invitae Variant Classification Sherloc (09022015). Collection method: clinical testing. Allele origin: germline.
Comment: ClinVar contains an entry for this variant (Variation ID: 1447090). This variant has not been reported in the literature in individuals affected with GUCY2C-related conditions. This variant is not present in population databases (gnomAD no frequency). This sequence change replaces glycine, which is neutral and non-polar, with arginine, which is basic and polar, at codon 121 of the GUCY2C protein (p.Gly121Arg). Advanced modeling of protein sequence and biophysical properties (such as structural, functional, and spatial information, amino acid conservation, physicochemical variation, residue mobility, and thermodynamic stability) performed at Invitae indicates that this missense variant is expected to disrupt GUCY2C protein function. In summary, the available evidence is currently insufficient to determine the role of this variant in disease. Therefore, it has been classified as a Variant of Uncertain Significance.